The following is an entry in ClinVar:

NM_003331.5(TYK2):c.1579C>G (p.Arg527Gly)

Gene: TYK2 (tyrosine kinase 2; minus strand). Cytogenetic location: 19p13.2.
Variant type: single nucleotide variant.
Coding change: c.1579C>G on transcript NM_003331.5 (MANE Select); coding-DNA position 1579, C replaced by G.
Protein change: p.Arg527Gly; replaces arginine 527 with glycine.
Molecular consequence: missense variant.
Genome position (GRCh38, 1-based): chr19:10,362,354, G>C on the plus strand (C>G on the coding strand, the complement: TYK2 is on the minus strand). VCF-style: chr19-10362354-G-C. GRCh37 (hg19) VCF-style: chr19-10473030-G-C.
Other names: c.1579C>G (LRG_121t1); short protein forms R527G.
Identifiers: ClinVar variation 449613 (VCV000449613.8), dbSNP rs777266572, ClinGen allele CA9193377.

ClinVar aggregate classification (germline): Uncertain significance. Review status: criteria provided, multiple submitters, no conflicts (2 of 4 stars). 2 submissions from 2 submitters: Uncertain significance (2). Last evaluated 2021-12-29.

Conditions:
Immunodeficiency 35 (IMD35). Also called: TYK2 DEFICIENCY; HIES WITH ATYPICAL MYCOBACTERIOSIS, AUTOSOMAL RECESSIVE; HYPER-IgE SYNDROME WITH ATYPICAL MYCOBACTERIOSIS, AUTOSOMAL RECESSIVE; Susceptibility to infection due to TYK2 deficiency. Identifiers: Orphanet 331226, MedGen C1969086, MONDO:0012682, OMIM 611521.

gnomAD v4.1: 8 of 1,614,100 alleles (0.0005%); highest among the groups gnomAD compares: South Asian, 0.0066%; no homozygotes.

Submissions (2):

Labcorp Genetics (formerly Invitae), Labcorp
Classification: Uncertain significance for Immunodeficiency 35. Last evaluated: 2021-12-29. Review status: criteria provided, single submitter. Criteria: Invitae Variant Classification Sherloc (09022015). Collection method: clinical testing. Allele origin: germline.
Comment: This sequence change replaces arginine, which is basic and polar, with glycine, which is neutral and non-polar, at codon 527 of the TYK2 protein (p.Arg527Gly). This variant is present in population databases (rs777266572, gnomAD 0.006%). This variant has not been reported in the literature in individuals affected with TYK2-related conditions. ClinVar contains an entry for this variant (Variation ID: 449613). Algorithms developed to predict the effect of missense changes on protein structure and function output the following: SIFT: "Not Available"; PolyPhen-2: "Benign"; Align-GVGD: "Not Available". The glycine amino acid residue is found in multiple mammalian species, which suggests that this missense change does not adversely affect protein function. In summary, the available evidence is currently insufficient to determine the role of this variant in disease. Therefore, it has been classified as a Variant of Uncertain Significance.

GeneDx
Classification: Uncertain significance. Last evaluated: 2015-12-02. Review status: criteria provided, single submitter. Criteria: GeneDx Variant Classification (06012015). Collection method: clinical testing. Allele origin: germline. Affected: yes.
Comment: The R527G variant has not been published as a pathogenic variant, nor has it been reported as a benign variant to our knowledge. The variant was not observed in approximately 6,500 individuals of European and African American ancestry in the NHLBI Exome Sequencing Project, indicating it is not a common benign variant in these populations. R527G is a non-conservative amino acid substitution, which is likely to impact secondary protein structure as these residues differ in polarity, charge, size and/or other properties. However, this substitution occurs at a position within the atypical SH2 domain that is not conserved, and in silico analysis predicts this variant likely does not alter the protein structure/function. Therefore, based on the currently available information, it is unclear whether this variant is a pathogenic variant or a rare benign variant.